The following is an entry in ClinVar:

ClinVar aggregate classification (germline): Pathogenic/Likely pathogenic. Review status: criteria provided, multiple submitters, no conflicts (2 of 4 stars). 3 submissions from 3 submitters: Pathogenic (1); Likely pathogenic (2). Last evaluated 2026-07-16.

Conditions:
NF1-related disorder. Also called: NF1-related condition. Identifiers: MedGen CN379171.
Neurofibromatosis, type 1 (NF1). Also called: NEUROFIBROMATOSIS, TYPE I, SOMATIC; Peripheral type neurofibromatosis; Neurofibromatosis, type I; VON RECKLINGHAUSEN DISEASE. Identifiers: Orphanet 636, MedGen C0027831, MONDO:0018975, OMIM 162200. Disease mechanism: loss of function.

Submissions (3):

PreventionGenetics, part of Exact Sciences
Classification: Likely pathogenic for NF1-related condition. Last evaluated: 2026-07-16. Review status: criteria provided, single submitter. Criteria: ACMG Guidelines, 2015. Collection method: clinical testing. Allele origin: germline.
Comment: The NF1 c.5551C>T variant is predicted to result in the amino acid substitution p.Pro1851Ser. To our knowledge, this variant has not been reported in the literature or in a large population database (gnomAD), indicating this variant is rare. This variant is classified as pathogenic/likely pathogenic in the ClinVar database and has been observed as de novo in at least one individual (Variation ID: 80405). An alternative variant at this same amino acid position (c.5489C>T, p.Pro1830Leu) has been reported in individuals with neurofibromatosis 1 (Xu et al. 2014. PubMed ID: 24789688). The c.5488C>T, p.Pro1830Ser variant is interpreted as likely pathogenic.

GeneDx
Classification: Likely pathogenic. Last evaluated: 2023-09-18. Review status: criteria provided, single submitter. Criteria: GeneDx Variant Classification Process June 2021. Collection method: clinical testing. Allele origin: germline. Affected: yes.
Comment: Not observed at significant frequency in large population cohorts (gnomAD); In silico analysis supports that this missense variant has a deleterious effect on protein structure/function; Has not been previously published as pathogenic or benign to our knowledge; This variant is associated with the following publications: (PMID: 32107864, 34418705)

Labcorp Genetics (formerly Invitae), Labcorp
Classification: Pathogenic for Neurofibromatosis, type 1. Last evaluated: 2023-06-14. Review status: criteria provided, single submitter. Criteria: Invitae Variant Classification Sherloc (09022015). Collection method: clinical testing. Allele origin: germline.
Comment: For these reasons, this variant has been classified as Pathogenic. This variant disrupts the p.Pro1380 amino acid residue in NF1. Other variant(s) that disrupt this residue have been determined to be pathogenic (Invitae; external communication). This suggests that this residue is clinically significant, and that variants that disrupt this residue are likely to be disease-causing. Advanced modeling of protein sequence and biophysical properties (such as structural, functional, and spatial information, amino acid conservation, physicochemical variation, residue mobility, and thermodynamic stability) performed at Invitae indicates that this missense variant is expected to disrupt NF1 protein function. ClinVar contains an entry for this variant (Variation ID: 80405). This missense change has been observed in individual(s) with clinical features of neurofibromatosis type 1 (Invitae). In at least one individual the variant was observed to be de novo. This variant is not present in population databases (gnomAD no frequency). This sequence change replaces proline, which is neutral and non-polar, with serine, which is neutral and polar, at codon 1830 of the NF1 protein (p.Pro1830Ser).

NM_001042492.3(NF1):c.5551C>T (p.Pro1851Ser)

Gene: NF1 (neurofibromin 1; plus strand). Cytogenetic location: 17q11.2.
Variant type: single nucleotide variant.
Coding change: c.5551C>T on transcript NM_001042492.3 (MANE Select); coding-DNA position 5551, C replaced by T.
Protein change: p.Pro1851Ser; replaces proline 1851 with serine.
Molecular consequence: missense variant.
Genome position (GRCh38, 1-based): chr17:31,327,781, C>T. VCF-style: chr17-31327781-C-T. GRCh37 (hg19) VCF-style: chr17-29654799-C-T.
Other names: c.5488C>T, p.Pro1830Ser (NM_000267.4); short protein forms P1830S, P1851S.
Identifiers: ClinVar variation 80405 (VCV000080405.11), dbSNP rs267604793, ClinGen allele CA289378918.
Genomic context (GRCh38, chr17:31,327,781, plus strand): 5'-TGGGAACTGTCACAGCCCGACTCTATCCCCCAACACACCAAGATTCGGCCAAAAGATGTC[C>T]CTGGGACACTGCTCAATATCGCATTACTTAATTTAGGCAGTTCTGACCCGAGTTTACGGT-3'
Protein context (NP_001035957.1, residues 1841-1861): QHTKIRPKDV[Pro1851Ser]GTLLNIALLN